The following is an entry in ClinVar:

NM_000218.3(KCNQ1):c.1032G>T (p.Ala344=)

Gene: KCNQ1 (potassium voltage-gated channel subfamily Q member 1; plus strand). Cytogenetic location: 11p15.5.
Variant type: single nucleotide variant.
Coding change: c.1032G>T on transcript NM_000218.3 (MANE Select); coding-DNA position 1032, G replaced by T.
Protein change: p.Ala344=; no amino-acid change (alanine 344 retained).
Molecular consequence: synonymous variant.
Genome position (GRCh38, 1-based): chr11:2,583,545, G>T. VCF-style: chr11-2583545-G-T. GRCh37 (hg19) VCF-style: chr11-2604775-G-T.
Other names: c.1032G>T, p.Ala344= (NM_001406836.1); c.762G>T, p.Ala254= (NM_001406837.1); c.588G>T, p.Ala196= (NM_001406838.1); c.651G>T, p.Ala217= (NM_181798.2).
Identifiers: ClinVar variation 560649 (VCV000560649.5), dbSNP rs1800171, ClinGen allele CA472038461.

ClinVar aggregate classification (germline): Likely pathogenic. Review status: criteria provided, single submitter (1 of 4 stars). 2 submissions from 2 submitters: Likely pathogenic (1). 1 of the submissions does not count toward it. Last evaluated 2022-10-05.

Conditions:
Long QT syndrome 1 (LQT1). Identifiers: Orphanet 101016, Orphanet 768, MedGen C4551647, MONDO:0100316, OMIM 192500, MONDO:0008646.
Long QT syndrome (LQTS). Identifiers: MedGen C0023976, MeSH D008133, MONDO:0002442. Disease mechanism: loss of function. Inheritance: Various modes of inheritance.

Submissions (2):

Roden Lab, Vanderbilt University Medical Center
Classification: Likely pathogenic for Long QT syndrome 1. Last evaluated: 2022-10-05. Review status: criteria provided, single submitter. Criteria: ACMG Guidelines, 2015. Collection method: research, in vitro. Allele origin: unknown, not applicable. Functional consequence: sequence_variant_affecting_splicing.
Comment: The KCNQ1 c.1032G>T variant occurs at the same nucleotide as the known splice-disrupting variant c.1032G>A (PMID: 29857160). The variant was observed in 1 cases of LQTS and was absent from large population databases (PMID: 32893267). There was a strong in silico prediction of variant-induced aberrant splicing. Minigene functional studies revealed multiple out-of-frame pseudoexon inclusions. These data collectively enable the classification of this variant as Likely Pathogenic.

Clinical Molecular Genetics Laboratory, Johns Hopkins All Children's Hospital
Classification: Likely pathogenic for Long QT syndrome. Last evaluated: 2015-11-11. Review status: no assertion criteria provided. Collection method: clinical testing. Allele origin: germline. Affected: yes. Not counted in ClinVar's aggregate classification.

Literature cited by the submitters: PubMed 36197721 (cited by Roden Lab, Vanderbilt University Medical Center).